The following is an entry in ClinVar:

NM_017852.5(NLRP2):c.1572T>C (p.Asp524=)

Gene: NLRP2 (NLR family pyrin domain containing 2; plus strand). Cytogenetic location: 19q13.42.
Variant type: single nucleotide variant.
Coding change: c.1572T>C on transcript NM_017852.5 (MANE Select); coding-DNA position 1572, T replaced by C.
Protein change: p.Asp524=; no amino-acid change (aspartic acid 524 retained).
Molecular consequence: synonymous variant. On other transcripts: non-coding transcript variant (1).
Genome position (GRCh38, 1-based): chr19:54,983,270, T>C. VCF-style: chr19-54983270-T-C. GRCh37 (hg19) VCF-style: chr19-55494638-T-C.
Other names: c.1572T>C, p.Asp524= (NM_001174081.3); c.1506T>C, p.Asp502= (NM_001174082.3); c.1503T>C, p.Asp501= (NM_001174083.2); c.1563T>C, p.Asp521= (NM_001348003.2); c.1572T>C (NM_001174081.2).
Identifiers: ClinVar variation 771045 (VCV000771045.6), dbSNP rs61735084, ClinGen allele CA310104958.

ClinVar aggregate classification (germline): Benign. Review status: criteria provided, multiple submitters, no conflicts (2 of 4 stars). 3 submissions from 3 submitters: Benign (2). 1 of the submissions does not count toward it. Last evaluated 2018-01-05.

Conditions:
NLRP2-related disorder. Also called: NLRP2-related condition.

Allele frequency attached by ClinVar (database versions not stated): ExAC 0.00080; gnomAD exomes 0.00432; 1000 Genomes Project 0.01498; 1000 Genomes Project 30x 0.01577; gnomAD 0.02079 and 0.02167.
gnomAD v4.1: 14,444 of 1,577,462 alleles (0.92%); highest among the groups gnomAD compares: African/African-American, 1.7%; 212 homozygotes.

Submissions (3):

Labcorp Genetics (formerly Invitae), Labcorp
Classification: Benign. Last evaluated: 2018-01-05. Review status: criteria provided, single submitter. Criteria: Invitae Variant Classification Sherloc (09022015). Collection method: clinical testing. Allele origin: germline.

Breakthrough Genomics
Classification: Benign. Review status: criteria provided, single submitter. Criteria: ACMG Guidelines, 2015. Collection method: not provided. Allele origin: germline. Inheritance: Unknown mechanism. Affected: yes.

PreventionGenetics, part of Exact Sciences
Classification: Benign for NLRP2-related condition. Last evaluated: 2019-09-24. Review status: no assertion criteria provided. Collection method: clinical testing. Allele origin: germline. Not counted in ClinVar's aggregate classification.
Comment: This variant is classified as benign based on ACMG/AMP sequence variant interpretation guidelines (Richards et al. 2015 PMID: 25741868, with internal and published modifications).